The following is an entry in ClinVar:

NM_001080421.3(UNC13A):c.5019G>C (p.Ser1673=)

Gene: UNC13A (unc-13 homolog A; minus strand). Cytogenetic location: 19p13.11.
Variant type: single nucleotide variant.
Coding change: c.5019G>C on transcript NM_001080421.3 (MANE Select); coding-DNA position 5019, G replaced by C.
Protein change: p.Ser1673=; no amino-acid change (serine 1673 retained).
Molecular consequence: synonymous variant.
Genome position (GRCh38, 1-based): chr19:17,606,147, C>G on the plus strand (G>C on the coding strand, the complement: UNC13A is on the minus strand). VCF-style: chr19-17606147-C-G. GRCh37 (hg19) VCF-style: chr19-17716956-C-G.
Other names: c.5007G>C, p.Ser1669= (NM_001387021.1); c.5004G>C, p.Ser1668= (NM_001387022.1); c.4938G>C, p.Ser1646= (NM_001387023.1).
Identifiers: ClinVar variation 4983567 (VCV004983567.1).

ClinVar aggregate classification (germline): Likely benign (1 of 4 stars; one submission).

Conditions:
UNC13A-related disorder. Also called: UNC13A-related condition.

Submission:

PreventionGenetics, part of Exact Sciences
Classification: Likely benign for UNC13A-related condition. Last evaluated: 2025-02-13. Review status: criteria provided, single submitter. Criteria: ACMG Guidelines, 2015. Collection method: clinical testing. Allele origin: germline.
Comment: This variant is classified as likely benign based on ACMG/AMP sequence variant interpretation guidelines (Richards et al. 2015 PMID: 25741868, with internal and published modifications).